The following is an entry in ClinVar:

NM_001371928.1(AHDC1):c.1942C>T (p.Gln648Ter)

Gene: AHDC1 (AT-hook DNA binding motif containing 1; minus strand). Cytogenetic location: 1p36.11.
Variant type: single nucleotide variant.
Coding change: c.1942C>T on transcript NM_001371928.1 (MANE Select); coding-DNA position 1942, C replaced by T.
Protein change: p.Gln648Ter; replaces glutamine 648 with a stop codon.
Molecular consequence: nonsense.
Genome position (GRCh38, 1-based): chr1:27,550,174, G>A on the plus strand (C>T on the coding strand, the complement: AHDC1 is on the minus strand). VCF-style: chr1-27550174-G-A. GRCh37 (hg19) VCF-style: chr1-27876685-G-A.
Other names: c.1942C>T, p.Gln648Ter (NM_001029882.3); short protein forms Q648*.
Identifiers: ClinVar variation 4813061 (VCV004813061.1).

ClinVar aggregate classification (germline): Pathogenic (1 of 4 stars; one submission).

Conditions:
AHDC1-related intellectual disability - obstructive sleep apnea - mild dysmorphism syndrome. Also called: Xia-Gibbs syndrome. Identifiers: Orphanet 412069, MedGen C4014419, MONDO:0014358, OMIM 615829.

Submission:

Variantyx, Inc.
Classification: Pathogenic for AHDC1-related intellectual disability - obstructive sleep apnea - mild dysmorphism syndrome. Last evaluated: 2025-07-11. Review status: criteria provided, single submitter. Criteria: Variantyx Assertion Criteria 2022. Collection method: clinical testing. Allele origin: germline. Inheritance: Autosomal dominant inheritance. Affected: yes.
Comment: This is a nonsense variant in the AHDC1 gene (OMIM: 615790). Pathogenic variants in this gene have been associated with autosomal dominant Xia-Gibbs syndrome. This variant introduces a premature termination codon in exon 8 out of 9. It is expected to result in loss of function, which is a known disease mechanism for AHDC1 in this disorder (PMID: 24791903, 27148574) (PVS1). This variant is absent from control populations (PM2). This variant has not been reported in individuals with AHDC1-related disorders. Based on the current evidence, this variant is classified as pathogenic for autosomal dominant Xia-Gibbs syndrome.

Literature cited by the submitters: PubMed 24791903; PubMed 27148574.